The following is an entry in ClinVar:

NM_001042472.3(ABHD12):c.619G>A (p.Gly207Ser)

Gene: ABHD12 (abhydrolase domain containing 12, lysophospholipase; minus strand). Cytogenetic location: 20p11.21.
Variant type: single nucleotide variant.
Coding change: c.619G>A on transcript NM_001042472.3 (MANE Select); coding-DNA position 619, G replaced by A.
Protein change: p.Gly207Ser; replaces glycine 207 with serine.
Molecular consequence: missense variant.
Genome position (GRCh38, 1-based): chr20:25,314,925, C>T on the plus strand (G>A on the coding strand, the complement: ABHD12 is on the minus strand). VCF-style: chr20-25314925-C-T. GRCh37 (hg19) VCF-style: chr20-25295561-C-T.
Other names: c.619G>A, p.Gly207Ser (NM_015600.5); short protein forms G207S.
Identifiers: ClinVar variation 934631 (VCV000934631.10), dbSNP rs1411654806, ClinGen allele CA408456345.

ClinVar aggregate classification (germline): Conflicting classifications of pathogenicity. Review status: criteria provided, conflicting classifications (1 of 4 stars). 3 submissions from 3 submitters: Pathogenic (1); Uncertain significance (2). Last evaluated 2024-07-09.

Conditions:
ABHD12-related disorder. Also called: ABHD12-related condition.

Allele frequency attached by ClinVar (database versions not stated): gnomAD exomes 0.00001; TOPMed 0.00001.
gnomAD v4.1: 5 of 1,614,196 alleles (0.00031%); highest among the groups gnomAD compares: Admixed American, 0.0067%; no homozygotes.

Submissions (4):

GeneDx
Classification: Uncertain significance. Last evaluated: 2024-07-09. Review status: criteria provided, single submitter. Criteria: GeneDx Variant Classification Process June 2021. Collection method: clinical testing. Allele origin: germline. Affected: yes.
Comment: Alters the last nucleotide of the exon and is predicted to destroy the splice donor site and result in aberrant splicing, although in the absence of functional evidence the actual effect of this sequence change is unknown; Has not been previously published as pathogenic or benign to our knowledge

Labcorp Genetics (formerly Invitae), Labcorp
Classification: Uncertain significance. Last evaluated: 2024-01-03. Review status: criteria provided, single submitter. Criteria: Invitae Variant Classification Sherloc (09022015). Collection method: clinical testing. Allele origin: germline.
Comment: This sequence change replaces glycine, which is neutral and non-polar, with serine, which is neutral and polar, at codon 207 of the ABHD12 protein (p.Gly207Ser). This variant also falls at the last nucleotide of exon 6, which is part of the consensus splice site for this exon. This variant is present in population databases (no rsID available, gnomAD 0.009%). This variant has not been reported in the literature in individuals affected with ABHD12-related conditions. ClinVar contains an entry for this variant (Variation ID: 934631). An algorithm developed to predict the effect of missense changes on protein structure and function (PolyPhen-2) suggests that this variant is likely to be disruptive. Variants that disrupt the consensus splice site are a relatively common cause of aberrant splicing (PMID: 17576681, 9536098). Algorithms developed to predict the effect of sequence changes on RNA splicing suggest that this variant may disrupt the consensus splice site. In summary, the available evidence is currently insufficient to determine the role of this variant in disease. Therefore, it has been classified as a Variant of Uncertain Significance.

Blueprint Genetics
Classification: Pathogenic for ABHD12-related disorders. Last evaluated: 2022-10-31. Review status: criteria provided, single submitter. Criteria: ACMG Guidelines, 2015. Collection method: clinical testing. Allele origin: germline. Affected: yes. Observed: 4 variant alleles.

Dr. Peter K. Rogan Lab, Western University
No classification provided (evidence only). Condition: Malignant tumor of esophagus. Review status: no classification provided. Collection method: in vitro. Allele origin: not applicable. Functional consequence: retained intron. Not counted in ClinVar's aggregate classification.

Literature cited by the submitters: PubMed 17576681 (cited by Labcorp Genetics (formerly Invitae), Labcorp); PubMed 9536098 (cited by Labcorp Genetics (formerly Invitae), Labcorp).